The following is an entry in ClinVar:

NM_001384732.1(CPLANE1):c.4830G>C (p.Gln1610His)

Gene: CPLANE1 (ciliogenesis and planar polarity effector complex subunit 1; minus strand). Cytogenetic location: 5p13.2.
Variant type: single nucleotide variant.
Coding change: c.4830G>C on transcript NM_001384732.1 (MANE Select); coding-DNA position 4830, G replaced by C.
Protein change: p.Gln1610His; replaces glutamine 1610 with histidine.
Molecular consequence: missense variant.
Genome position (GRCh38, 1-based): chr5:37,183,351, C>G on the plus strand (G>C on the coding strand, the complement: CPLANE1 is on the minus strand). VCF-style: chr5-37183351-C-G. GRCh37 (hg19) VCF-style: chr5-37183453-C-G.
Other names: c.4830G>C, p.Gln1610His (NM_023073.4); short protein forms Q1610H.
Identifiers: ClinVar variation 1353012 (VCV001353012.6), dbSNP rs1364582417, ClinGen allele CA359495794.

ClinVar aggregate classification (germline): Uncertain significance (1 of 4 stars; one submission).

gnomAD v4.1: 1 of 1,612,518 alleles (0.000062%); no homozygotes.

Submission:

Labcorp Genetics (formerly Invitae), Labcorp
Classification: Uncertain significance. Last evaluated: 2024-11-11. Review status: criteria provided, single submitter. Criteria: Invitae Variant Classification Sherloc (09022015). Collection method: clinical testing. Allele origin: germline.
Comment: This sequence change replaces glutamine, which is neutral and polar, with histidine, which is basic and polar, at codon 1610 of the CPLANE1 protein (p.Gln1610His). This variant is not present in population databases (gnomAD no frequency). This variant has not been reported in the literature in individuals affected with CPLANE1-related conditions. ClinVar contains an entry for this variant (Variation ID: 1353012). Invitae Evidence Modeling of protein sequence and biophysical properties (such as structural, functional, and spatial information, amino acid conservation, physicochemical variation, residue mobility, and thermodynamic stability) indicates that this missense variant is not expected to disrupt CPLANE1 protein function with a negative predictive value of 95%. In summary, the available evidence is currently insufficient to determine the role of this variant in disease. Therefore, it has been classified as a Variant of Uncertain Significance.